The following is an entry in ClinVar:

NM_000059.4(BRCA2):c.7971_7976+4del

Gene: BRCA2 (BRCA2 DNA repair associated; plus strand). Cytogenetic location: 13q13.1.
Variant type: Deletion.
Coding change: c.7971_7976+4del on transcript NM_000059.4 (MANE Select); coding-DNA position 7971 through 4 bases into the intron after coding-DNA position 7976, 10 bases deleted (ATACAGGCAA; older notation c.7971_7976+4delATACAGGCAA).
Molecular consequence: splice donor variant.
Genome position (GRCh38, 1-based): chr13:32,362,688-32,362,697, ATACAGGCAA deleted; deleting any 10 consecutive bases within chr13:32,362,686-32,362,697 gives the same sequence; the c. name uses the placement nearest the transcript's 3' end. VCF-style (leftmost placement, unchanged base first): chr13-32362685-AAAATACAGGC-A. GRCh37 (hg19) VCF-style: chr13-32936822-AAAATACAGGC-A.
Identifiers: ClinVar variation 2039775 (VCV002039775.4), dbSNP rs2548545639, ClinGen allele CA2580087432.

ClinVar aggregate classification (germline): Likely pathogenic (1 of 4 stars; one submission).

Conditions:
Hereditary breast ovarian cancer syndrome. Also called: Hereditary breast and ovarian cancer syndrome (HBOC); Breast and ovarian cancer; Hereditary breast and ovarian cancer syndrome; Hereditary breast and/or ovarian cancer syndrome; BRCA1- and BRCA2-Associated Hereditary Breast and Ovarian Cancer; Hereditary breast and ovarian cancer. Identifiers: Orphanet 145, MedGen C0677776, MeSH D061325, MONDO:0003582. Disease mechanism: loss of function.

Submission:

Labcorp Genetics (formerly Invitae), Labcorp
Classification: Likely pathogenic for Hereditary breast ovarian cancer syndrome. Last evaluated: 2021-12-11. Review status: criteria provided, single submitter. Criteria: Invitae Variant Classification Sherloc (09022015). Collection method: clinical testing. Allele origin: germline.
Comment: In summary, the currently available evidence indicates that the variant is pathogenic, but additional data are needed to prove that conclusively. Therefore, this variant has been classified as Likely Pathogenic. Algorithms developed to predict the effect of sequence changes on RNA splicing suggest that this variant may disrupt the consensus splice site. This variant has not been reported in the literature in individuals affected with BRCA2-related conditions. This variant is not present in population databases (gnomAD no frequency). This variant results in the deletion of part of exon 17 of the BRCA2 gene. It is expected to disrupt RNA splicing. Variants that disrupt the donor or acceptor splice site typically lead to a loss of protein function (PMID: 16199547), and loss-of-function variants in BRCA2 are known to be pathogenic (PMID: 20104584).

Literature cited by the submitters: PubMed 16199547; PubMed 20104584.